The following is an entry in ClinVar:

NM_000550.3(TYRP1):c.1133A>G (p.Asn378Ser)

Genes: LURAP1L-AS1 (LURAP1L antisense RNA 1; minus strand), TYRP1 (tyrosinase related protein 1; plus strand). Cytogenetic location: 9p23.
Variant type: single nucleotide variant.
Coding change: c.1133A>G on transcript NM_000550.3 (MANE Select); coding-DNA position 1133, A replaced by G.
Protein change: p.Asn378Ser; replaces asparagine 378 with serine.
Molecular consequence: missense variant.
Genome position (GRCh38, 1-based): chr9:12,704,577, A>G. VCF-style: chr9-12704577-A-G. GRCh37 (hg19) VCF-style: chr9-12704577-A-G.
Other names: short protein forms N378S.
Identifiers: ClinVar variation 374020 (VCV000374020.42), dbSNP rs771055145, ClinGen allele CA4985461.

ClinVar aggregate classification (germline): Conflicting classifications of pathogenicity. Review status: criteria provided, conflicting classifications (1 of 4 stars). 5 submissions from 5 submitters: Likely pathogenic (3); Uncertain significance (2). Last evaluated 2025-01-06.

Conditions:
MELANESIAN BLOND HAIR (SHEP11). Also called: Skin/hair/eye pigmentation, variation in, 11; SKIN/HAIR/EYE PIGMENTATION 11, BLUE/NONBLUE EYES. Identifiers: MedGen C2677086, OMIM 612271.
Oculocutaneous albinism type 3 (OCA3). Also called: Albinism, oculocutaneous, type III; RUFOUS OCULOCUTANEOUS ALBINISM; Rufous OCA; Rufous albinism; XANTHISM; ALBINISM III. Identifiers: Orphanet 79433, MedGen C0342683, MONDO:0008747, OMIM 203290.
Ocular albinism. Identifiers: Orphanet 284804, MedGen C0078917, MeSH D016117, MONDO:0017304, HP:0001107.

Allele frequency attached by ClinVar (database versions not stated): gnomAD exomes 0.00002; ExAC 0.00004; gnomAD 0.00001.
gnomAD v4.1: 29 of 1,612,966 alleles (0.0018%); highest among the groups gnomAD compares: East Asian, 0.0022%; 1 homozygote.

Submissions (5):

Labcorp Genetics (formerly Invitae), Labcorp
Classification: Uncertain significance. Last evaluated: 2025-01-06. Review status: criteria provided, single submitter. Criteria: Invitae Variant Classification Sherloc (09022015). Collection method: clinical testing. Allele origin: germline.
Comment: This sequence change replaces asparagine, which is neutral and polar, with serine, which is neutral and polar, at codon 378 of the TYRP1 protein (p.Asn378Ser). This variant is present in population databases (rs771055145, gnomAD 0.009%). This variant has not been reported in the literature in individuals affected with TYRP1-related conditions. ClinVar contains an entry for this variant (Variation ID: 374020). Invitae Evidence Modeling of protein sequence and biophysical properties (such as structural, functional, and spatial information, amino acid conservation, physicochemical variation, residue mobility, and thermodynamic stability) indicates that this missense variant is expected to disrupt TYRP1 protein function with a positive predictive value of 80%. In summary, the available evidence is currently insufficient to determine the role of this variant in disease. Therefore, it has been classified as a Variant of Uncertain Significance.

Laboratory of Genetic Epidemiology, Research Centre for Medical Genetics
Classification: Likely pathogenic for MELANESIAN BLOND HAIR; Oculocutaneous albinism type 3. Last evaluated: 2025-01-01. Review status: criteria provided, single submitter. Criteria: ACMG Guidelines, 2015. Collection method: clinical testing. Allele origin: unknown. Inheritance: Autosomal recessive inheritance. Affected: yes. Observed: 1 heterozygote.
Comment: This variant has not been previously reported in the literature and is listed in gnomAD v3.1.2 with allele frequency 0.00009 in Europe (1/10614). The affected amino acid position is evolutionarily conserved, and multiple in silico prediction tools support a deleterious effect. We assume that this variant is highly likely to be in trans-position with the likely pathogenic variant NM_000550.3:c.643C>G, p.(His215Asp) in proband; therefore, based on the literature (PMID: 30311386), we apply the ACMG pathogenic criterion PM3 Supporting. Taken together, the variant meets the following ACMG/AMP criteria and can be classified as likely pathogenic with PM2, PP3, PM3, PP5, PP4 criteria.

Department of Pathology and Laboratory Medicine, Sinai Health System
Classification: Uncertain significance for Oculocutaneous albinism type 3. Last evaluated: 2023-04-23. Review status: criteria provided, single submitter. Criteria: ACMG Guidelines, 2015. Collection method: research. Allele origin: germline.

CeGaT Center for Human Genetics Tuebingen
Classification: Likely pathogenic. Last evaluated: 2021-07-01. Review status: criteria provided, single submitter. Criteria: CeGaT Center For Human Genetics Tuebingen Variant Classification Criteria Version 2. Collection method: clinical testing. Allele origin: germline. Affected: yes. Observed: 1 variant allele.

Centre for Mendelian Genomics, University Medical Centre Ljubljana
Classification: Likely pathogenic for Ocular albinism. Last evaluated: 2015-10-30. Review status: criteria provided, single submitter. Criteria: ACMG Guidelines, 2015. Collection method: clinical testing. Allele origin: unknown. Affected: yes.

Literature cited by the submitters: PubMed 41428507 (cited by Laboratory of Genetic Epidemiology, Research Centre for Medical Genetics).